The following is an entry in ClinVar:

NM_004369.4(COL6A3):c.9329-4A>T

Gene: COL6A3 (collagen type VI alpha 3 chain; minus strand). Cytogenetic location: 2q37.3.
Variant type: single nucleotide variant.
Coding change: c.9329-4A>T on transcript NM_004369.4 (MANE Select); 4 bases into the intron before coding-DNA position 9329, A replaced by T.
Molecular consequence: intron variant.
Genome position (GRCh38, 1-based): chr2:237,325,728, T>A on the plus strand (A>T on the coding strand, the complement: COL6A3 is on the minus strand). VCF-style: chr2-237325728-T-A. GRCh37 (hg19) VCF-style: chr2-238234371-T-A.
Other names: c.7508-4A>T (NM_057166.5); c.8711-4A>T (NM_057167.4).
Identifiers: ClinVar variation 335096 (VCV000335096.13), dbSNP rs199800564, ClinGen allele CA2187291.
Genomic context (GRCh38, chr2:237,325,728, plus strand): 5'-ACCATTTTAATATGAAATCCCTGCAAGTTCCTTCGTCTTTCGGCAACTTGCATATATCTT[T>A]AATAAAAACATGAGAAAAGGATATTAATGAGAACATGCGTGTTACTCGGCTCCCAGTGCT-3'

ClinVar aggregate classification (germline): Benign/Likely benign. Review status: criteria provided, multiple submitters, no conflicts (2 of 4 stars). 3 submissions from 3 submitters: Benign (1); Likely benign (2). Last evaluated 2025-08-18.

Conditions:
Collagen 6-related myopathy. Identifiers: MedGen CN117976, MONDO:0100225.
Bethlem myopathy 1A. Also called: Bethlem Muscular Dystrophy; MYOPATHY, BENIGN CONGENITAL, WITH CONTRACTURES; Bethlem myopathy 1. Identifiers: Orphanet 610, MedGen CN029274, MONDO:0024530, OMIM 158810.

Allele frequency attached by ClinVar (database versions not stated): gnomAD 0.00001 and 0.00002; TOPMed 0.00001; ExAC 0.00011.
gnomAD v4.1: 106 of 1,612,366 alleles (0.0066%); highest among the groups gnomAD compares: East Asian, 0.23%; no homozygotes.

Submissions (3):

Labcorp Genetics (formerly Invitae), Labcorp
Classification: Likely benign for Bethlem myopathy 1A. Last evaluated: 2025-08-18. Review status: criteria provided, single submitter. Criteria: Invitae Variant Classification Sherloc (09022015). Collection method: clinical testing. Allele origin: germline.

Illumina Laboratory Services, Illumina
Classification: Benign for Collagen VI-related myopathy. Last evaluated: 2018-01-13. Review status: criteria provided, single submitter. Criteria: ICSL Variant Classification Criteria 13 December 2019. Collection method: clinical testing. Allele origin: germline.
Comment: This variant was observed in the ICSL laboratory as part of a predisposition screen in an ostensibly healthy population. It had not been previously curated by ICSL or reported in the Human Gene Mutation Database (HGMD: prior to June 1st, 2018), and was therefore a candidate for classification through an automated scoring system. Utilizing variant allele frequency, disease prevalence and penetrance estimates, and inheritance mode, an automated score was calculated to assess if this variant is too frequent to cause the disease. Based on the score and internal cut-off values, a variant classified as benign is not then subjected to further curation. The score for this variant resulted in a classification of benign for this disease.

GeneDx
Classification: Likely benign. Last evaluated: 2016-06-29. Review status: criteria provided, single submitter. Criteria: GeneDx Variant Classification (06012015). Collection method: clinical testing. Allele origin: germline. Affected: yes.
Comment: This variant is considered likely benign or benign based on one or more of the following criteria: it is a conservative change, it occurs at a poorly conserved position in the protein, it is predicted to be benign by multiple in silico algorithms, and/or has population frequency not consistent with disease.